The following is an entry in ClinVar:

NC_000004.11:g.(?_126237567)_(126337797_?)dup

Gene: FAT4 (FAT atypical cadherin 4; plus strand). Cytogenetic location: 4q28.1.
Variant type: Duplication.
Identifiers: ClinVar variation 2426838 (VCV002426838.4).

ClinVar aggregate classification (germline): Uncertain significance (1 of 4 stars; one submission).

Submission:

Labcorp Genetics (formerly Invitae), Labcorp
Classification: Uncertain significance. Last evaluated: 2022-05-06. Review status: criteria provided, single submitter. Criteria: Invitae Variant Classification Sherloc (09022015). Collection method: clinical testing. Allele origin: germline.
Comment: In summary, the available evidence is currently insufficient to determine the role of this variant in disease. Therefore, it has been classified as a Variant of Uncertain Significance. Experimental studies and prediction algorithms are not available or were not evaluated, and the functional significance of this variant is currently unknown. This variant has not been reported in the literature in individuals affected with FAT4-related conditions. This variant results in a copy number gain of the genomic region encompassing exon(s) 1-6 of the FAT4 gene. This region includes the initiator codon of the gene. This copy number gain extends beyond the assayed region for this gene and therefore may encompass additional genes. As the precise location of this event is unknown, it may be in tandem or it may be located elsewhere in the genome.